The following is an entry in ClinVar:

ClinVar aggregate classification (germline): Likely benign. Review status: criteria provided, multiple submitters, no conflicts (2 of 4 stars). 2 submissions from 2 submitters: Likely benign (2). Last evaluated 2025-03-02.

Conditions:
POLD1-related polyposis and colorectal cancer syndrome (CRCS10). Also called: Colorectal cancer 10; COLORECTAL CANCER, SUSCEPTIBILITY TO, ON CHROMOSOME 19q; Colorectal cancer, susceptibility to, 10. Identifiers: Orphanet 220460, MedGen C2675481, MONDO:0012953, OMIM 612591.

gnomAD v4.1: 6 of 1,132,700 alleles (0.00053%); highest among the groups gnomAD compares: Non-Finnish European, 0.00072%; no homozygotes.

Submissions (2):

Labcorp Genetics (formerly Invitae), Labcorp
Classification: Likely benign for POLD1-related polyposis and colorectal cancer syndrome. Last evaluated: 2025-03-02. Review status: criteria provided, single submitter. Criteria: Invitae Variant Classification Sherloc (09022015). Collection method: clinical testing. Allele origin: germline.

Myriad Genetics, Inc.
Classification: Likely benign for POLD1-related polyposis and colorectal cancer syndrome. Last evaluated: 2025-02-06. Review status: criteria provided, single submitter. Criteria: Myriad Autosomal Dominant, Autosomal Recessive and X-Linked Classification Criteria (2023). Collection method: clinical testing. Allele origin: unknown.
Comment: This variant is considered likely benign. This variant is intronic and is not expected to impact mRNA splicing.

NM_002691.4(POLD1):c.1495-14G>T

Gene: POLD1 (DNA polymerase delta 1, catalytic subunit; plus strand). Cytogenetic location: 19q13.33.
Variant type: single nucleotide variant.
Coding change: c.1495-14G>T on transcript NM_002691.4 (MANE Select); 14 bases into the intron before coding-DNA position 1495, G replaced by T.
Molecular consequence: intron variant.
Genome position (GRCh38, 1-based): chr19:50,406,969, G>T. VCF-style: chr19-50406969-G-T. GRCh37 (hg19) VCF-style: chr19-50910226-G-T.
Other names: c.1495-14G>T (NM_001256849.1, NM_001308632.1).
Identifiers: ClinVar variation 1530334 (VCV001530334.9), dbSNP rs542376819, ClinGen allele CA2573156687.
Genomic context (GRCh38, chr19:50,406,969, plus strand): 5'-CCCCCACTTCCTTCTCCTGCTCCACCTCCCACCCCCAACCCCTGGTCCCTGACCCCATCC[G>T]TGCCCATCCCCAGAATGGGAACGACCAGACCCGCCGCCGCCTGGCTGTGTACTGCCTGAA-3'